The following is an entry in ClinVar:

NM_000551.4(VHL):c.435G>C (p.Gln145His)

Genes: VHL (von Hippel-Lindau tumor suppressor; plus strand), LOC107303340 (3p25 von Hippel-Lindau tumor suppressor, E3 ubiquitin protein ligase Alu-mediated recombination region; plus strand). Cytogenetic location: 3p25.3.
Variant type: single nucleotide variant.
Coding change: c.435G>C on transcript NM_000551.4 (MANE Select); coding-DNA position 435, G replaced by C.
Protein change: p.Gln145His; replaces glutamine 145 with histidine.
Molecular consequence: missense variant. On other transcripts: intron variant (2).
Genome position (GRCh38, 1-based): chr3:10,146,608, G>C. VCF-style: chr3-10146608-G-C. GRCh37 (hg19) VCF-style: chr3-10188292-G-C.
Other names: c.*18-3179G>C (NM_001354723.2); c.341-3179G>C (NM_198156.3); short protein forms Q145H.
Identifiers: ClinVar variation 216479 (VCV000216479.15), dbSNP rs771727849, ClinGen allele CA337322.

ClinVar aggregate classification (germline): Conflicting classifications of pathogenicity. Review status: criteria provided, conflicting classifications (1 of 4 stars). 3 submissions from 3 submitters: Uncertain significance (2); Likely benign (1). Last evaluated 2026-04-10.

Conditions:
Hereditary cancer-predisposing syndrome. Also called: Neoplastic Syndromes, Hereditary; Hereditary Cancer Syndrome; Tumor predisposition; Hereditary neoplastic syndrome. Identifiers: Orphanet 140162, MedGen C0027672, MeSH D009386, MONDO:0015356.
Von Hippel-Lindau syndrome (VHLS). Also called: Von Hippel-Lindau; von Hippel–Lindau syndrome; VHL syndrome. Identifiers: Orphanet 892, MedGen C0019562, MONDO:0008667, OMIM 193300. Disease mechanism: loss of function.
Chuvash polycythemia. Also called: POLYCYTHEMIA, VHL-DEPENDENT. Identifiers: Orphanet 238557, MedGen C1837915, MONDO:0009892, OMIM 263400.

Submissions (3):

Ambry Genetics
Classification: Likely benign for Hereditary cancer-predisposing syndrome. Last evaluated: 2026-04-10. Review status: criteria provided, single submitter. Criteria: Ambry Variant Classification Scheme 2023. Collection method: clinical testing. Allele origin: germline.

Labcorp Genetics (formerly Invitae), Labcorp
Classification: Uncertain significance for Von Hippel-Lindau syndrome; Chuvash polycythemia. Last evaluated: 2025-11-10. Review status: criteria provided, single submitter. Criteria: Invitae Variant Classification Sherloc (09022015). Collection method: clinical testing. Allele origin: germline.
Comment: This sequence change replaces glutamine, which is neutral and polar, with histidine, which is basic and polar, at codon 145 of the VHL protein (p.Gln145His). This variant is present in population databases (no rsID available, gnomAD 0.0009%). This variant has not been reported in the literature in individuals affected with VHL-related conditions. ClinVar contains an entry for this variant (Variation ID: 216479). Invitae Evidence Modeling of protein sequence and biophysical properties (such as structural, functional, and spatial information, amino acid conservation, physicochemical variation, residue mobility, and thermodynamic stability) indicates that this missense variant is expected to disrupt VHL protein function with a positive predictive value of 95%. Experimental studies have shown that this missense change affects VHL function (PMID: 15611064). In summary, the available evidence is currently insufficient to determine the role of this variant in disease. Therefore, it has been classified as a Variant of Uncertain Significance.

All of Us Research Program, National Institutes of Health
Classification: Uncertain significance for Von Hippel-Lindau syndrome. Last evaluated: 2024-07-29. Review status: criteria provided, single submitter. Criteria: ACMG Guidelines, 2015. Collection method: clinical testing. Allele origin: germline. Inheritance: Autosomal dominant inheritance. Observed: 3 variant alleles, 3 heterozygotes.
Comment: This missense variant replaces glutamine with histidine at codon 145 of the VHL protein. Computational prediction suggests that this variant may have deleterious impact on protein structure and function (internally defined REVEL score threshold >= 0.7, PMID: 27666373). A functional study has reported that this variant impairs HIF-2alpha degradation and alters binding specificity to HIF-1alpha (PMID: 15611064). This variant has not been reported in individuals affected with hereditary cancer in the literature. This variant has been identified in 1/251494 chromosomes in the general population by the Genome Aggregation Database (gnomAD). The available evidence is insufficient to determine the role of this variant in disease conclusively. Therefore, this variant is classified as a Variant of Uncertain Significance.

This study involves interpretation of variants in research participants for the purpose of population health screening. Participant phenotype was not available at the time of variant classification. Additional details can be found in publication PMID: 35346344, PMCID: PMC8962531

Literature cited by the submitters: PubMed 15611064 (cited by 3 submitters); PubMed 38969834 (cited by Ambry Genetics).